The following is an entry in ClinVar:

NM_015450.3(POT1):c.1126C>G (p.Gln376Glu)

Gene: POT1 (protection of telomeres 1; minus strand). Cytogenetic location: 7q31.33.
Variant type: single nucleotide variant.
Coding change: c.1126C>G on transcript NM_015450.3 (MANE Select); coding-DNA position 1126, C replaced by G.
Protein change: p.Gln376Glu; replaces glutamine 376 with glutamic acid.
Molecular consequence: missense variant. On other transcripts: non-coding transcript variant (3).
Genome position (GRCh38, 1-based): chr7:124,842,844, G>C on the plus strand (C>G on the coding strand, the complement: POT1 is on the minus strand). VCF-style: chr7-124842844-G-C. GRCh37 (hg19) VCF-style: chr7-124482898-G-C.
Other names: c.733C>G, p.Gln245Glu (NM_001042594.2); c.1126C>G (NM_015450.2); short protein forms Q376E, Q245E.
Identifiers: ClinVar variation 4760574 (VCV004760574.2).

ClinVar aggregate classification (germline): Uncertain significance. Review status: criteria provided, multiple submitters, no conflicts (2 of 4 stars). 2 submissions from 2 submitters: Uncertain significance (2). Last evaluated 2026-07-11.

Conditions:
Hereditary cancer-predisposing syndrome. Also called: Hereditary Cancer Syndrome; Hereditary neoplastic syndrome; Neoplastic Syndromes, Hereditary; Tumor predisposition. Identifiers: Orphanet 140162, MedGen C0027672, MeSH D009386, MONDO:0015356.
Tumor predisposition syndrome 3 (TPDS3). Also called: Glioma susceptibility 9; LONG TELOMERE SYNDROME, POT1-RELATED; POT1 Tumor Predisposition; Melanoma, cutaneous malignant, susceptibility to, 10. Identifiers: Orphanet 618, MedGen C4014476, MONDO:0014368, OMIM 615848.

Submissions (2):

Ambry Genetics
Classification: Uncertain significance for Hereditary cancer-predisposing syndrome. Last evaluated: 2026-07-11. Review status: criteria provided, single submitter. Criteria: Ambry Variant Classification Scheme 2023. Collection method: clinical testing. Allele origin: germline.
Comment: The p.Q376E variant (also known as c.1126C>G), located in coding exon 9 of the POT1 gene, results from a C to G substitution at nucleotide position 1126. The glutamine at codon 376 is replaced by glutamic acid, an amino acid with highly similar properties. This amino acid position is conserved. In addition, this alteration is predicted to be tolerated by in silico analysis. Based on the available evidence, the clinical significance of this variant remains unclear.

Labcorp Genetics (formerly Invitae), Labcorp
Classification: Uncertain significance for Tumor predisposition syndrome 3. Last evaluated: 2025-08-06. Review status: criteria provided, single submitter. Criteria: Invitae Variant Classification Sherloc (09022015). Collection method: clinical testing. Allele origin: germline.
Comment: This sequence change replaces glutamine, which is neutral and polar, with glutamic acid, which is acidic and polar, at codon 376 of the POT1 protein (p.Gln376Glu). This variant is not present in population databases (gnomAD no frequency). This variant has not been reported in the literature in individuals affected with POT1-related conditions. Invitae Evidence Modeling of protein sequence and biophysical properties (such as structural, functional, and spatial information, amino acid conservation, physicochemical variation, residue mobility, and thermodynamic stability) indicates that this missense variant is not expected to disrupt POT1 protein function with a negative predictive value of 80%. In summary, the available evidence is currently insufficient to determine the role of this variant in disease. Therefore, it has been classified as a Variant of Uncertain Significance.